The following is an entry in ClinVar:

ClinVar aggregate classification (germline): Uncertain significance (1 of 4 stars; one submission).

Allele frequency attached by ClinVar (database versions not stated): gnomAD exomes below 0.00001.
gnomAD v4.1: 1 of 1,609,320 alleles (0.000062%); highest among the groups gnomAD compares: Admixed American, 0.0017%; no homozygotes.

Submission:

Labcorp Genetics (formerly Invitae), Labcorp
Classification: Uncertain significance. Last evaluated: 2022-02-09. Review status: criteria provided, single submitter. Criteria: Invitae Variant Classification Sherloc (09022015). Collection method: clinical testing. Allele origin: germline.
Comment: Algorithms developed to predict the effect of missense changes on protein structure and function are either unavailable or do not agree on the potential impact of this missense change (SIFT: "Tolerated"; PolyPhen-2: "Not Available"; Align-GVGD: "Class C0"). This variant has not been reported in the literature in individuals affected with DNA2-related conditions. This variant is present in population databases (no rsID available, gnomAD 0.003%). This sequence change replaces isoleucine, which is neutral and non-polar, with leucine, which is neutral and non-polar, at codon 658 of the DNA2 protein (p.Ile658Leu). In summary, the available evidence is currently insufficient to determine the role of this variant in disease. Therefore, it has been classified as a Variant of Uncertain Significance.

NM_001080449.3(DNA2):c.1972A>T (p.Ile658Leu)

Gene: DNA2 (DNA replication helicase/nuclease 2; minus strand). Cytogenetic location: 10q21.3.
Variant type: single nucleotide variant.
Coding change: c.1972A>T on transcript NM_001080449.3 (MANE Select); coding-DNA position 1972, A replaced by T.
Protein change: p.Ile658Leu; replaces isoleucine 658 with leucine.
Molecular consequence: missense variant. On other transcripts: non-coding transcript variant (1).
Genome position (GRCh38, 1-based): chr10:68,431,873, T>A on the plus strand (A>T on the coding strand, the complement: DNA2 is on the minus strand). VCF-style: chr10-68431873-T-A. GRCh37 (hg19) VCF-style: chr10-70191630-T-A.
Other names: short protein forms I658L.
Identifiers: ClinVar variation 1356331 (VCV001356331.8), dbSNP rs1433208116, ClinGen allele CA376855258.